The following is an entry in ClinVar:

NM_000458.4(HNF1B):c.714G>T (p.Trp238Cys)

Genes: HNF1B (HNF1 homeobox B; minus strand), LOC126862549 (BRD4-independent group 4 enhancer GRCh37_chr17:36093401-36094600; plus strand). Cytogenetic location: 17q12.
Variant type: single nucleotide variant.
Coding change: c.714G>T on transcript NM_000458.4 (MANE Select); coding-DNA position 714, G replaced by T.
Protein change: p.Trp238Cys; replaces tryptophan 238 with cysteine.
Molecular consequence: missense variant.
Genome position (GRCh38, 1-based): chr17:37,733,652, C>A on the plus strand (G>T on the coding strand, the complement: HNF1B is on the minus strand). VCF-style: chr17-37733652-C-A. GRCh37 (hg19) VCF-style: chr17-36093645-C-A.
Other names: c.636G>T, p.Trp212Cys (NM_001165923.4, NM_001304286.2); c.714G>T, p.Trp238Cys (NM_001411100.1); short protein forms W212C, W238C.
Identifiers: ClinVar variation 4743583 (VCV004743583.1).

ClinVar aggregate classification (germline): Uncertain significance (1 of 4 stars; one submission).

Submission:

Labcorp Genetics (formerly Invitae), Labcorp
Classification: Uncertain significance. Last evaluated: 2026-01-06. Review status: criteria provided, single submitter. Criteria: Invitae Variant Classification Sherloc (09022015). Collection method: clinical testing. Allele origin: germline.
Comment: This sequence change replaces tryptophan, which is neutral and slightly polar, with cysteine, which is neutral and slightly polar, at codon 238 of the HNF1B protein (p.Trp238Cys). This variant is not present in population databases (gnomAD no frequency). This variant has not been reported in the literature in individuals affected with HNF1B-related conditions. Invitae Evidence Modeling of protein sequence and biophysical properties (such as structural, functional, and spatial information, amino acid conservation, physicochemical variation, residue mobility, and thermodynamic stability) indicates that this missense variant is not expected to disrupt HNF1B protein function with a negative predictive value of 80%. In summary, the available evidence is currently insufficient to determine the role of this variant in disease. Therefore, it has been classified as a Variant of Uncertain Significance.